The following is an entry in ClinVar:

ClinVar aggregate classification (germline): Likely benign. Review status: criteria provided, multiple submitters, no conflicts (2 of 4 stars). 2 submissions from 2 submitters: Likely benign (2). Last evaluated 2025-01-30.

Allele frequency attached by ClinVar (database versions not stated): gnomAD exomes 0.00001 and 0.00002; ExAC 0.00006; gnomAD 0.00001; TOPMed 0.00001.
gnomAD v4.1: 17 of 1,602,854 alleles (0.0011%); highest among the groups gnomAD compares: Non-Finnish European, 0.00094%; no homozygotes.

Submissions (2):

Mayo Clinic Laboratories, Mayo Clinic
Classification: Likely benign. Last evaluated: 2025-01-30. Review status: criteria provided, single submitter. Criteria: ACMG Guidelines, 2015. Collection method: clinical testing. Allele origin: germline. Observed: 1 variant allele.
Comment: BP4, BP7

Labcorp Genetics (formerly Invitae), Labcorp
Classification: Likely benign. Last evaluated: 2017-09-07. Review status: criteria provided, single submitter. Criteria: Invitae Variant Classification Sherloc (09022015). Collection method: clinical testing. Allele origin: germline.

NM_001846.4(COL4A2):c.4212G>C (p.Val1404=)

Genes: COL4A2 (collagen type IV alpha 2 chain; plus strand), COL4A2-AS1 (COL4A2 antisense RNA 1; minus strand). Cytogenetic location: 13q34.
Variant type: single nucleotide variant.
Coding change: c.4212G>C on transcript NM_001846.4 (MANE Select); coding-DNA position 4212, G replaced by C.
Protein change: p.Val1404=; no amino-acid change (valine 1404 retained).
Molecular consequence: synonymous variant.
Genome position (GRCh38, 1-based): chr13:110,503,920, G>C. VCF-style: chr13-110503920-G-C. GRCh37 (hg19) VCF-style: chr13-111156267-G-C.
Other names: p.Val1404=.
Identifiers: ClinVar variation 708959 (VCV000708959.4), dbSNP rs781225627, ClinGen allele CA7050444.